The following is an entry in ClinVar:

NM_173728.4(ARHGEF15):c.1940G>A (p.Arg647Gln)

Gene: ARHGEF15 (Rho guanine nucleotide exchange factor 15; plus strand). Cytogenetic location: 17p13.1.
Variant type: single nucleotide variant.
Coding change: c.1940G>A on transcript NM_173728.4 (MANE Select); coding-DNA position 1940, G replaced by A.
Protein change: p.Arg647Gln; replaces arginine 647 with glutamine.
Molecular consequence: missense variant.
Genome position (GRCh38, 1-based): chr17:8,318,817, G>A. VCF-style: chr17-8318817-G-A. GRCh37 (hg19) VCF-style: chr17-8222135-G-A.
Other names: c.1940G>A, p.Arg647Gln (NM_025014.2); short protein forms R647Q.
Identifiers: ClinVar variation 1025038 (VCV001025038.9), dbSNP rs777849960, ClinGen allele CA398023573.

ClinVar aggregate classification (germline): Uncertain significance (1 of 4 stars; one submission).

Conditions:
Early-infantile DEE. Also called: Early infantile epileptic encephalopathy with suppression bursts; Early infantile epileptic encephalopathy; Ohtahara syndrome. Identifiers: Orphanet 1934, MedGen C0393706, MONDO:0800491.

Allele frequency attached by ClinVar (database versions not stated): gnomAD 0.00003; TOPMed 0.00005.
gnomAD v4.1: 42 of 1,613,532 alleles (0.0026%); highest among the groups gnomAD compares: Admixed American, 0.012%; no homozygotes.

Submission:

Labcorp Genetics (formerly Invitae), Labcorp
Classification: Uncertain significance for Early-infantile DEE. Last evaluated: 2025-02-26. Review status: criteria provided, single submitter. Criteria: Invitae Variant Classification Sherloc (09022015). Collection method: clinical testing. Allele origin: germline.
Comment: This sequence change replaces arginine, which is basic and polar, with glutamine, which is neutral and polar, at codon 647 of the ARHGEF15 protein (p.Arg647Gln). This variant is present in population databases (rs777849960, gnomAD 0.009%). This variant has not been reported in the literature in individuals affected with ARHGEF15-related conditions. ClinVar contains an entry for this variant (Variation ID: 1025038). An algorithm developed to predict the effect of missense changes on protein structure and function (PolyPhen-2) suggests that this variant is likely to be tolerated. In summary, the available evidence is currently insufficient to determine the role of this variant in disease. Therefore, it has been classified as a Variant of Uncertain Significance.